The following is an entry in ClinVar:

NC_000009.11:g.(?_140707818)_(141016451_?)del

Genes: CACNA1B (calcium voltage-gated channel subunit alpha1 B; plus strand), EHMT1 (euchromatic histone lysine methyltransferase 1; plus strand). Cytogenetic location: 9q34.3.
Variant type: Deletion.
Identifiers: ClinVar variation 3245171 (VCV003245171.1).

ClinVar aggregate classification (germline): Pathogenic (1 of 4 stars; one submission).

Conditions:
Kleefstra syndrome 1 (KLEFS1). Identifiers: Orphanet 261494, MedGen C0795833, MONDO:0027407, OMIM 610253.

Submission:

Labcorp Genetics (formerly Invitae), Labcorp
Classification: Pathogenic for Kleefstra syndrome 1. Last evaluated: 2023-08-19. Review status: criteria provided, single submitter. Criteria: Invitae Variant Classification Sherloc (09022015). Collection method: clinical testing. Allele origin: unknown.
Comment: For these reasons, this variant has been classified as Pathogenic. This variant disrupts a region of the EHMT1 protein in which other variant(s) (p.Cys1105Arg) have been determined to be pathogenic (Invitae). This suggests that this is a clinically significant region of the protein, and that variants that disrupt it are likely to be disease-causing. This variant has not been reported in the literature in individuals affected with EHMT1-related conditions. This variant is a gross deletion of the genomic region encompassing exon(s) 21-27 of the EHMT1 gene, which includes the termination codon. This deletion extends beyond the assayed region for this gene and therefore may encompass additional genes. While this deletion is not anticipated to lead to nonsense mediated decay, it is expected to alter mRNA translation or result in a truncated protein product.